The following is an entry in ClinVar:

NM_000440.3(PDE6A):c.1432G>C (p.Glu478Gln)

Gene: PDE6A (phosphodiesterase 6A; minus strand). Cytogenetic location: 5q32.
Variant type: single nucleotide variant.
Coding change: c.1432G>C on transcript NM_000440.3 (MANE Select); coding-DNA position 1432, G replaced by C.
Protein change: p.Glu478Gln; replaces glutamic acid 478 with glutamine.
Molecular consequence: missense variant.
Genome position (GRCh38, 1-based): chr5:149,896,752, C>G on the plus strand (G>C on the coding strand, the complement: PDE6A is on the minus strand). VCF-style: chr5-149896752-C-G. GRCh37 (hg19) VCF-style: chr5-149276315-C-G.
Other names: short protein forms E478Q.
Identifiers: ClinVar variation 845047 (VCV000845047.6), dbSNP rs752469869, ClinGen allele CA361695966.

ClinVar aggregate classification (germline): Uncertain significance. Review status: criteria provided, multiple submitters, no conflicts (2 of 4 stars). 2 submissions from 2 submitters: Uncertain significance (2). Last evaluated 2024-06-17.

Conditions:
Inborn genetic diseases. Identifiers: MedGen C0950123, MeSH D030342.

Allele frequency attached by ClinVar (database versions not stated): TOPMed 0.00001.
gnomAD v4.1: 12 of 1,614,172 alleles (0.00074%); highest among the groups gnomAD compares: Admixed American, 0.02%; no homozygotes.

Submissions (2):

Ambry Genetics
Classification: Uncertain significance for Inborn genetic diseases. Last evaluated: 2024-06-17. Review status: criteria provided, single submitter. Criteria: Ambry Variant Classification Scheme 2023. Collection method: clinical testing. Allele origin: germline.

Labcorp Genetics (formerly Invitae), Labcorp
Classification: Uncertain significance. Last evaluated: 2022-07-05. Review status: criteria provided, single submitter. Criteria: Invitae Variant Classification Sherloc (09022015). Collection method: clinical testing. Allele origin: germline.
Comment: This sequence change replaces glutamic acid, which is acidic and polar, with glutamine, which is neutral and polar, at codon 478 of the PDE6A protein (p.Glu478Gln). This variant is present in population databases (no rsID available, gnomAD 0.003%). This variant has not been reported in the literature in individuals affected with PDE6A-related conditions. ClinVar contains an entry for this variant (Variation ID: 845047). Algorithms developed to predict the effect of missense changes on protein structure and function (SIFT, PolyPhen-2, Align-GVGD) all suggest that this variant is likely to be tolerated. In summary, the available evidence is currently insufficient to determine the role of this variant in disease. Therefore, it has been classified as a Variant of Uncertain Significance.